The following is an entry in ClinVar:

ClinVar aggregate classification (germline): Uncertain significance (1 of 4 stars; one submission).

Allele frequency attached by ClinVar (database versions not stated): gnomAD exomes 0.00001; TOPMed 0.00002; gnomAD 0.00003.
gnomAD v4.1: 12 of 1,486,880 alleles (0.00081%); highest among the groups gnomAD compares: African/African-American, 0.0029%; no homozygotes.

Submission:

Labcorp Genetics (formerly Invitae), Labcorp
Classification: Uncertain significance. Last evaluated: 2022-02-04. Review status: criteria provided, single submitter. Criteria: Invitae Variant Classification Sherloc (09022015). Collection method: clinical testing. Allele origin: germline.
Comment: In summary, the available evidence is currently insufficient to determine the role of this variant in disease. Therefore, it has been classified as a Variant of Uncertain Significance. Algorithms developed to predict the effect of missense changes on protein structure and function output the following: SIFT: "Tolerated"; PolyPhen-2: "Benign"; Align-GVGD: "Class C0". The lysine amino acid residue is found in multiple mammalian species, which suggests that this missense change does not adversely affect protein function. This variant has not been reported in the literature in individuals affected with HES7-related conditions. This variant is not present in population databases (gnomAD no frequency). This sequence change replaces glutamine, which is neutral and polar, with lysine, which is basic and polar, at codon 166 of the HES7 protein (p.Gln166Lys).

NM_001165967.2(HES7):c.511C>A (p.Gln171Lys)

Genes: HES7 (hes family bHLH transcription factor 7; minus strand), LOC130060203 (ATAC-STARR-seq lymphoblastoid silent region 8155; plus strand). Cytogenetic location: 17p13.1.
Variant type: single nucleotide variant.
Coding change: c.511C>A on transcript NM_001165967.2 (MANE Select); coding-DNA position 511, C replaced by A.
Protein change: p.Gln171Lys; replaces glutamine 171 with lysine.
Molecular consequence: missense variant.
Genome position (GRCh38, 1-based): chr17:8,121,753, G>T on the plus strand (C>A on the coding strand, the complement: HES7 is on the minus strand). VCF-style: chr17-8121753-G-T. GRCh37 (hg19) VCF-style: chr17-8025071-G-T.
Other names: c.496C>A, p.Gln166Lys (NM_032580.4); short protein forms Q166K, Q171K.
Identifiers: ClinVar variation 1431967 (VCV001431967.8), dbSNP rs966584084, ClinGen allele CA287537129.